The following is an entry in ClinVar:

ClinVar aggregate classification (germline): Uncertain significance (1 of 4 stars; one submission).

Conditions:
Autosomal dominant polycystic kidney disease. Identifiers: Orphanet 730, MedGen C0085413, MONDO:0004691.

gnomAD v4.1: 2 of 1,613,650 alleles (0.00012%); highest among the groups gnomAD compares: Non-Finnish European, 0.00017%; no homozygotes.

Submission:

Labcorp Genetics (formerly Invitae), Labcorp
Classification: Uncertain significance for Autosomal dominant polycystic kidney disease. Last evaluated: 2024-05-02. Review status: criteria provided, single submitter. Criteria: Invitae Variant Classification Sherloc (09022015). Collection method: clinical testing. Allele origin: germline.
Comment: This sequence change replaces alanine, which is neutral and non-polar, with threonine, which is neutral and polar, at codon 384 of the PKD2 protein (p.Ala384Thr). This variant is not present in population databases (gnomAD no frequency). This variant has not been reported in the literature in individuals affected with PKD2-related conditions. Advanced modeling of protein sequence and biophysical properties (such as structural, functional, and spatial information, amino acid conservation, physicochemical variation, residue mobility, and thermodynamic stability) performed at Invitae indicates that this missense variant is not expected to disrupt PKD2 protein function with a negative predictive value of 80%. In summary, the available evidence is currently insufficient to determine the role of this variant in disease. Therefore, it has been classified as a Variant of Uncertain Significance.

NM_000297.4(PKD2):c.1150G>A (p.Ala384Thr)

Gene: PKD2 (polycystin 2, transient receptor potential cation channel; plus strand). Cytogenetic location: 4q22.1.
Variant type: single nucleotide variant.
Coding change: c.1150G>A on transcript NM_000297.4 (MANE Select); coding-DNA position 1150, G replaced by A.
Protein change: p.Ala384Thr; replaces alanine 384 with threonine.
Molecular consequence: missense variant. On other transcripts: non-coding transcript variant (1).
Genome position (GRCh38, 1-based): chr4:88,043,288, G>A. VCF-style: chr4-88043288-G-A. GRCh37 (hg19) VCF-style: chr4-88964440-G-A.
Other names: short protein forms A384T.
Identifiers: ClinVar variation 3651977 (VCV003651977.2).